The following is an entry in ClinVar:

NM_078480.3(PUF60):c.485G>A (p.Trp162Ter)

Gene: PUF60 (poly(U) binding splicing factor 60; minus strand). Cytogenetic location: 8q24.3.
Variant type: single nucleotide variant.
Coding change: c.485G>A on transcript NM_078480.3 (MANE Select); coding-DNA position 485, G replaced by A.
Protein change: p.Trp162Ter; replaces tryptophan 162 with a stop codon.
Molecular consequence: nonsense.
Genome position (GRCh38, 1-based): chr8:143,818,398, C>T on the plus strand (G>A on the coding strand, the complement: PUF60 is on the minus strand). VCF-style: chr8-143818398-C-T. GRCh37 (hg19) VCF-style: chr8-144900568-C-T.
Other names: c.356G>A, p.Trp119Ter (NM_001136033.3); c.431G>A, p.Trp144Ter (NM_001271096.2); c.347G>A, p.Trp116Ter (NM_001271097.2); c.482G>A, p.Trp161Ter (NM_001271098.2); c.398G>A, p.Trp133Ter (NM_001271099.2); c.305G>A, p.Trp102Ter (NM_001271100.2); c.596G>A, p.Trp199Ter (NM_001362895.2, NM_001362896.2); c.545G>A, p.Trp182Ter (NM_001362897.2); and 1 more; short protein forms W162*, W144*, W161*, W116*, W119*, W133*, W182*, W102*.
Identifiers: ClinVar variation 280867 (VCV000280867.4), dbSNP rs886041995, ClinGen allele CA10603090.
Genomic context (GRCh38, chr8:143,818,398, plus strand): 5'-GCCCGAAGTGGCCGGGGCGGACCAAGCCTGCTGACCTTGTGCTTCATGGTGACGGAGTCC[C>T]AGGACATGTCGATGCTCTTGATGGGGCCAAAGGGGGCAAAGGCCTGGCGGATGGTGTCCT-3'

ClinVar aggregate classification (germline): Pathogenic (1 of 4 stars; one submission).

Conditions:
8q24.3 microdeletion syndrome. Also called: Verheij syndrome; CHROMOSOME 8q24.3 DELETION SYNDROME. Identifiers: Orphanet 508488, MedGen C3810023, MONDO:0014263, OMIM 615583.

Submission:

GeneDx
Classification: Pathogenic. Last evaluated: 2021-05-26. Review status: criteria provided, single submitter. Criteria: GeneDx Variant Classification Process June 2021. Collection method: clinical testing. Allele origin: germline. Affected: yes.
Comment: Nonsense variant predicted to result in protein truncation or nonsense mediated decay in a gene for which loss-of-function is a known mechanism of disease; Not observed at significant frequency in large population cohorts (Lek et al., 2016); Has not been previously published as pathogenic or benign to our knowledge